The following is an entry in ClinVar:

ClinVar aggregate classification (germline): Uncertain significance. Review status: criteria provided, multiple submitters, no conflicts (2 of 4 stars). 4 submissions from 4 submitters: Uncertain significance (4). Last evaluated 2025-11-25.

Conditions:
Inborn genetic diseases. Identifiers: MedGen C0950123, MeSH D030342.
Aortic valve disease 2 (AOVD2). Identifiers: MedGen C3542024, MONDO:0013902, OMIM 614823.

Allele frequency attached by ClinVar (database versions not stated): TOPMed 0.00002.
gnomAD v4.1: 4 of 1,600,326 alleles (0.00025%); highest among the groups gnomAD compares: African/African-American, 0.0013%; no homozygotes.

Submissions (4):

GeneDx
Classification: Uncertain significance. Last evaluated: 2025-11-25. Review status: criteria provided, single submitter. Criteria: GeneDx Variant Classification Process June 2021. Collection method: clinical testing. Allele origin: germline. Affected: yes.
Comment: In silico analysis supports that this missense variant has a deleterious effect on protein structure/function; Not observed at significant frequency in large population cohorts (gnomAD); Has not been previously published as pathogenic or benign to our knowledge; This variant is associated with the following publications: (PMID: 28659821)

Labcorp Genetics (formerly Invitae), Labcorp
Classification: Uncertain significance for Aortic valve disease 2. Last evaluated: 2024-10-23. Review status: criteria provided, single submitter. Criteria: Invitae Variant Classification Sherloc (09022015). Collection method: clinical testing. Allele origin: germline.
Comment: This sequence change replaces arginine, which is basic and polar, with proline, which is neutral and non-polar, at codon 443 of the SMAD6 protein (p.Arg443Pro). This variant is not present in population databases (gnomAD no frequency). This variant has not been reported in the literature in individuals affected with SMAD6-related conditions. ClinVar contains an entry for this variant (Variation ID: 1214316). Invitae Evidence Modeling of protein sequence and biophysical properties (such as structural, functional, and spatial information, amino acid conservation, physicochemical variation, residue mobility, and thermodynamic stability) indicates that this missense variant is not expected to disrupt SMAD6 protein function with a negative predictive value of 80%. In summary, the available evidence is currently insufficient to determine the role of this variant in disease. Therefore, it has been classified as a Variant of Uncertain Significance.

Ambry Genetics
Classification: Uncertain significance for Inborn genetic diseases. Last evaluated: 2023-03-24. Review status: criteria provided, single submitter. Criteria: Ambry Variant Classification Scheme 2023. Collection method: clinical testing. Allele origin: germline.
Comment: The p.R443P variant (also known as c.1328G>C), located in coding exon 4 of the SMAD6 gene, results from a G to C substitution at nucleotide position 1328. The arginine at codon 443 is replaced by proline, an amino acid with dissimilar properties. This amino acid position is conserved. In addition, this alteration is predicted to be deleterious by in silico analysis. Since supporting evidence is limited at this time, the clinical significance of this alteration remains unclear.

Mayo Clinic Laboratories, Mayo Clinic
Classification: Uncertain significance. Last evaluated: 2023-02-22. Review status: criteria provided, single submitter. Criteria: ACMG Guidelines, 2015. Collection method: clinical testing. Allele origin: germline. Observed: 1 variant allele.
Comment: PM2_supporting

Literature cited by the submitters: PubMed 28659821 (cited by Mayo Clinic Laboratories, Mayo Clinic).

NM_005585.5(SMAD6):c.1328G>C (p.Arg443Pro)

Gene: SMAD6 (SMAD family member 6; plus strand). Cytogenetic location: 15q22.31.
Variant type: single nucleotide variant.
Coding change: c.1328G>C on transcript NM_005585.5 (MANE Select); coding-DNA position 1328, G replaced by C.
Protein change: p.Arg443Pro; replaces arginine 443 with proline.
Molecular consequence: missense variant. On other transcripts: non-coding transcript variant (1).
Genome position (GRCh38, 1-based): chr15:66,781,372, G>C. VCF-style: chr15-66781372-G-C. GRCh37 (hg19) VCF-style: chr15-67073710-G-C.
Other names: p.Arg443Pro; short protein forms R443P.
Identifiers: ClinVar variation 1214316 (VCV001214316.10), dbSNP rs554980660, ClinGen allele CA393202315.